The following is an entry in ClinVar:

ClinVar aggregate classification (germline): Likely benign. Review status: criteria provided, single submitter (1 of 4 stars). 2 submissions from 2 submitters: Likely benign (1). 1 of the submissions does not count toward it. Last evaluated 2025-11-08.

Conditions:
MCM5-related disorder. Also called: MCM5-related condition.

Allele frequency attached by ClinVar (database versions not stated): ExAC 0.00074; 1000 Genomes Project 0.00140; 1000 Genomes Project 30x 0.00156; ESP Exome Variant Server 0.00292; TOPMed 0.00296.
gnomAD v4.1: 748 of 1,614,168 alleles (0.046%); highest among the groups gnomAD compares: African/African-American, 0.89%; 2 homozygotes.

Submissions (2):

Labcorp Genetics (formerly Invitae), Labcorp
Classification: Likely benign. Last evaluated: 2025-11-08. Review status: criteria provided, single submitter. Criteria: Invitae Variant Classification Sherloc (09022015). Collection method: clinical testing. Allele origin: germline.

PreventionGenetics, part of Exact Sciences
Classification: Likely benign for MCM5-related condition. Last evaluated: 2019-03-14. Review status: no assertion criteria provided. Collection method: clinical testing. Allele origin: germline. Not counted in ClinVar's aggregate classification.
Comment: This variant is classified as likely benign based on ACMG/AMP sequence variant interpretation guidelines (Richards et al. 2015 PMID: 25741868, with internal and published modifications).

NM_006739.4(MCM5):c.375G>C (p.Gln125His)

Gene: MCM5 (minichromosome maintenance complex component 5; plus strand). Cytogenetic location: 22q12.3.
Variant type: single nucleotide variant.
Coding change: c.375G>C on transcript NM_006739.4 (MANE Select); coding-DNA position 375, G replaced by C.
Protein change: p.Gln125His; replaces glutamine 125 with histidine.
Molecular consequence: missense variant.
Genome position (GRCh38, 1-based): chr22:35,403,494, G>C. VCF-style: chr22-35403494-G-C. GRCh37 (hg19) VCF-style: chr22-35799487-G-C.
Other names: short protein forms Q125H.
Identifiers: ClinVar variation 777701 (VCV000777701.12), dbSNP rs12170872, ClinGen allele CA10204999.